The following is an entry in ClinVar:

ClinVar aggregate classification (germline): Pathogenic (1 of 4 stars; one submission).

Submission:

Labcorp Genetics (formerly Invitae), Labcorp
Classification: Pathogenic. Last evaluated: 2025-08-14. Review status: criteria provided, single submitter. Criteria: Invitae Variant Classification Sherloc (09022015). Collection method: clinical testing. Allele origin: germline.
Comment: This sequence change creates a premature translational stop signal (p.Thr178Argfs*22) in the RMND1 gene. It is expected to result in an absent or disrupted protein product. Loss-of-function variants in RMND1 are known to be pathogenic (PMID: 27412952). This variant is not present in population databases (gnomAD no frequency). This variant has not been reported in the literature in individuals affected with RMND1-related conditions. For these reasons, this variant has been classified as Pathogenic.

Literature cited by the submitters: PubMed 27412952.

NM_017909.4(RMND1):c.533del (p.Thr178fs)

Gene: RMND1 (required for meiotic nuclear division 1 homolog; minus strand). Cytogenetic location: 6q25.1.
Variant type: Deletion.
Coding change: c.533del on transcript NM_017909.4 (MANE Select); coding-DNA position 533, one base deleted (C; older notation c.533delC).
Protein change: p.Thr178fs; shifts the reading frame from threonine 178.
Molecular consequence: frameshift variant.
Genome position (GRCh38, 1-based): chr6:151,436,526, G deleted on the plus strand (C on the coding strand, the reverse complement: RMND1 is on the minus strand). VCF-style (leftmost placement, unchanged base first): chr6-151436525-CG-C. GRCh37 (hg19) VCF-style: chr6-151757660-CG-C.
Other names: c.23del, p.Thr8fs (NM_001271937.2); short protein forms T178fs, T8fs.
Identifiers: ClinVar variation 4718525 (VCV004718525.1).
Genomic context (GRCh38, chr6:151,436,525, plus strand): 5'-TTCAACATATCCGTGGGAGGCCAGATCTTGAGACAGATTTCCCAGATGATACTCATCTGC[CG>C]TTGCAAATGCTGTGCAGTGCATTAGGTCCTGTTCCAGGGAAATGAGCATAACATGGGTTA-3'